The following is an entry in ClinVar:

ClinVar aggregate classification (germline): Benign/Likely benign. Review status: criteria provided, multiple submitters, no conflicts (2 of 4 stars). 6 submissions from 6 submitters: Benign (2); Likely benign (3). 1 of the submissions does not count toward it. Last evaluated 2023-11-18.

Conditions:
COL4A2-related disorder. Also called: COL4A2-related disorders; COL4A2-related condition.
Brain small vessel disease 2A, autosomal dominant. Also called: Porencephaly 2. Identifiers: Orphanet 2940, Orphanet 99810, MedGen C3280970, MONDO:0013773, OMIM 614483.
Inborn genetic diseases. Identifiers: MedGen C0950123, MeSH D030342.

Allele frequency attached by ClinVar (database versions not stated): gnomAD exomes 0.00006 and 0.00015; TOPMed 0.00010; ExAC 0.00011; gnomAD 0.00013 and 0.00014.
gnomAD v4.1: 117 of 1,613,414 alleles (0.0073%); highest among the groups gnomAD compares: Non-Finnish European, 0.0016%; no homozygotes.

Submissions (6):

Labcorp Genetics (formerly Invitae), Labcorp
Classification: Benign. Last evaluated: 2023-11-18. Review status: criteria provided, single submitter. Criteria: Invitae Variant Classification Sherloc (09022015). Collection method: clinical testing. Allele origin: germline.

Blueprint Genetics
Classification: Likely benign. Last evaluated: 2023-05-12. Review status: criteria provided, single submitter. Criteria: ACMG Guidelines, 2015. Collection method: clinical testing. Allele origin: germline.

CeGaT Center for Human Genetics Tuebingen
Classification: Likely benign. Last evaluated: 2023-02-01. Review status: criteria provided, single submitter. Criteria: CeGaT Center For Human Genetics Tuebingen Variant Classification Criteria Version 2. Collection method: clinical testing. Allele origin: germline. Affected: yes. Observed: 1 variant allele.
Comment: COL4A2: PP3, BS1

Ambry Genetics
Classification: Likely benign for Inborn genetic diseases. Last evaluated: 2022-12-27. Review status: criteria provided, single submitter. Criteria: Ambry Variant Classification Scheme 2023. Collection method: clinical testing. Allele origin: germline.

Illumina Laboratory Services, Illumina
Classification: Benign for Brain small vessel disease 2A, autosomal dominant. Last evaluated: 2018-01-12. Review status: criteria provided, single submitter. Criteria: ICSL Variant Classification Criteria 13 December 2019. Collection method: clinical testing. Allele origin: germline.
Comment: This variant was observed in the ICSL laboratory as part of a predisposition screen in an ostensibly healthy population. It had not been previously curated by ICSL or reported in the Human Gene Mutation Database (HGMD: prior to June 1st, 2018), and was therefore a candidate for classification through an automated scoring system. Utilizing variant allele frequency, disease prevalence and penetrance estimates, and inheritance mode, an automated score was calculated to assess if this variant is too frequent to cause the disease. Based on the score and internal cut-off values, a variant classified as benign is not then subjected to further curation. The score for this variant resulted in a classification of benign for this disease.

PreventionGenetics, part of Exact Sciences
Classification: Likely benign for COL4A2-related condition. Last evaluated: 2022-08-03. Review status: no assertion criteria provided. Collection method: clinical testing. Allele origin: germline. Not counted in ClinVar's aggregate classification.
Comment: This variant is classified as likely benign based on ACMG/AMP sequence variant interpretation guidelines (Richards et al. 2015 PMID: 25741868, with internal and published modifications).

NM_001846.4(COL4A2):c.4915T>C (p.Ser1639Pro)

Gene: COL4A2 (collagen type IV alpha 2 chain; plus strand). Cytogenetic location: 13q34.
Variant type: single nucleotide variant.
Coding change: c.4915T>C on transcript NM_001846.4 (MANE Select); coding-DNA position 4915, T replaced by C.
Protein change: p.Ser1639Pro; replaces serine 1639 with proline.
Molecular consequence: missense variant.
Genome position (GRCh38, 1-based): chr13:110,511,967, T>C. VCF-style: chr13-110511967-T-C. GRCh37 (hg19) VCF-style: chr13-111164314-T-C.
Other names: c.4915T>C (NM_001846.3); short protein forms S1639P.
Identifiers: ClinVar variation 882901 (VCV000882901.39), dbSNP rs756772866, ClinGen allele CA7050708.
Genomic context (GRCh38, chr13:110,511,967, plus strand): 5'-CCCTGTCCTGCCCCCCTCTCTGTGCAGCACACGGCGGCGGGAGACGAAGGCGGTGGCCAA[T>C]CACTGGTGTCACCGGGCAGCTGTCTAGAGGACTTCCGCGCCACACCATTCATCGAATGCA-3'
Protein context (NP_001837.2, residues 1629-1649): TAAGDEGGGQ[Ser1639Pro]LVSPGSCLED